The following is an entry in ClinVar:

ClinVar aggregate classification (germline): Uncertain significance (1 of 4 stars; one submission).

Conditions:
Hyperkalemic periodic paralysis. Also called: Familial hyperkalemic periodic paralysis; Gamstorp disease. Identifiers: Orphanet 682, MedGen C0238357, MONDO:0008224, OMIM 170500, HP:0007215.

Submission:

Labcorp Genetics (formerly Invitae), Labcorp
Classification: Uncertain significance for Hyperkalemic periodic paralysis. Last evaluated: 2025-04-07. Review status: criteria provided, single submitter. Criteria: Invitae Variant Classification Sherloc (09022015). Collection method: clinical testing. Allele origin: germline.
Comment: This sequence change replaces arginine, which is basic and polar, with leucine, which is neutral and non-polar, at codon 1745 of the SCN4A protein (p.Arg1745Leu). Information on the frequency of this variant in the gnomAD database is not available, as this variant may be reported differently in the database. This variant has not been reported in the literature in individuals affected with SCN4A-related conditions. An algorithm developed to predict the effect of missense changes on protein structure and function (PolyPhen-2) suggests that this variant is likely to be disruptive. In summary, the available evidence is currently insufficient to determine the role of this variant in disease. Therefore, it has been classified as a Variant of Uncertain Significance.

NM_000334.4(SCN4A):c.5234_5235delinsTT (p.Arg1745Leu)

Genes: GH-LCR (growth hormone locus control region; plus strand), SCN4A (sodium voltage-gated channel alpha subunit 4; minus strand). Cytogenetic location: 17q23.3.
Variant type: Indel.
Coding change: c.5234_5235delinsTT on transcript NM_000334.4 (MANE Select); coding-DNA positions 5234 to 5235, GC replaced by TT.
Protein change: p.Arg1745Leu; replaces arginine 1745 with leucine.
Molecular consequence: missense variant.
Genome position (GRCh38, 1-based): chr17:63,941,047-63,941,048, GC replaced by AA on the plus strand (GC replaced by TT on the coding strand, the reverse complement: SCN4A is on the minus strand). VCF-style: chr17-63941047-GC-AA. GRCh37 (hg19) VCF-style: chr17-62018407-GC-AA.
Other names: short protein forms R1745L.
Identifiers: ClinVar variation 4701071 (VCV004701071.1).